The following is an entry in ClinVar:

NM_030787.4(CFHR5):c.465T>C (p.Asn155=)

Gene: CFHR5 (complement factor H related 5; plus strand). Cytogenetic location: 1q31.3.
Variant type: single nucleotide variant.
Coding change: c.465T>C on transcript NM_030787.4 (MANE Select); coding-DNA position 465, T replaced by C.
Protein change: p.Asn155=; no amino-acid change (asparagine 155 retained).
Molecular consequence: synonymous variant.
Genome position (GRCh38, 1-based): chr1:196,994,114, T>C. VCF-style: chr1-196994114-T-C. GRCh37 (hg19) VCF-style: chr1-196963244-T-C.
Identifiers: ClinVar variation 1673811 (VCV001673811.32), dbSNP rs139260377, ClinGen allele CA1307758.

ClinVar aggregate classification (germline): Likely benign. Review status: criteria provided, multiple submitters, no conflicts (2 of 4 stars). 7 submissions from 7 submitters: Likely benign (7). Last evaluated 2025-12-08.

Conditions:
CFHR5 deficiency. Identifiers: MedGen C3553720.

Allele frequency attached by ClinVar (database versions not stated): 1000 Genomes Project 0.00020; 1000 Genomes Project 30x 0.00031; gnomAD 0.00033 and 0.00034; TOPMed 0.00037; ESP Exome Variant Server 0.00038; gnomAD exomes 0.00046; ExAC 0.00052.
gnomAD v4.1: 880 of 1,613,442 alleles (0.055%); highest among the groups gnomAD compares: Middle Eastern, 0.18%; 1 homozygote.

Submissions (7):

Labcorp Genetics (formerly Invitae), Labcorp
Classification: Likely benign. Last evaluated: 2025-12-08. Review status: criteria provided, single submitter. Criteria: Invitae Variant Classification Sherloc (09022015). Collection method: clinical testing. Allele origin: germline.

Blueprint Genetics
Classification: Likely benign. Last evaluated: 2024-11-23. Review status: criteria provided, single submitter. Criteria: ACMG Guidelines, 2015. Collection method: clinical testing. Allele origin: germline.

Women's Health and Genetics/Laboratory Corporation of America, LabCorp
Classification: Likely benign. Last evaluated: 2024-10-01. Review status: criteria provided, single submitter. Criteria: LabCorp Variant Classification Summary - May 2015. Collection method: clinical testing. Allele origin: germline.

CeGaT Center for Human Genetics Tuebingen
Classification: Likely benign. Last evaluated: 2024-05-01. Review status: criteria provided, single submitter. Criteria: CeGaT Center For Human Genetics Tuebingen Variant Classification Criteria Version 2. Collection method: clinical testing. Allele origin: germline. Affected: yes. Observed: 1 variant allele.
Comment: CFHR5: BP4, BP7

Genome-Nilou Lab
Classification: Likely benign for C3 glomerulonephritis. Last evaluated: 2023-04-11. Review status: criteria provided, single submitter. Criteria: ACMG Guidelines, 2015. Collection method: clinical testing. Allele origin: germline. Affected: no.

Fulgent Genetics
Classification: Likely benign for C3 glomerulonephritis. Last evaluated: 2022-04-01. Review status: criteria provided, single submitter. Criteria: ACMG Guidelines, 2015. Collection method: clinical testing. Allele origin: unknown.

Breakthrough Genomics
Classification: Likely benign. Review status: criteria provided, single submitter. Criteria: ACMG Guidelines, 2015. Collection method: not provided. Allele origin: germline. Inheritance: Autosomal dominant inheritance. Affected: yes.